The following is an entry in ClinVar:

ClinVar aggregate classification (germline): Uncertain significance (1 of 4 stars; one submission).

gnomAD v4.1: 1 of 1,209,184 alleles (0.000083%); highest among the groups gnomAD compares: Non-Finnish European, 0.00011%; no homozygotes.

Submission:

GeneDx
Classification: Uncertain significance. Last evaluated: 2025-06-08. Review status: criteria provided, single submitter. Criteria: GeneDx Variant Classification Process June 2021. Collection method: clinical testing. Allele origin: germline. Affected: yes.
Comment: Not observed at significant frequency in large population cohorts (gnomAD); In silico analysis supports that this missense variant has a deleterious effect on protein structure/function; Has not been previously published as pathogenic or benign to our knowledge

NM_201599.3(ZMYM3):c.2155C>G (p.Arg719Gly)

Gene: ZMYM3 (zinc finger MYM-type containing 3; minus strand). Cytogenetic location: Xq13.1.
Variant type: single nucleotide variant.
Coding change: c.2155C>G on transcript NM_201599.3 (MANE Select); coding-DNA position 2155, C replaced by G.
Protein change: p.Arg719Gly; replaces arginine 719 with glycine.
Molecular consequence: missense variant.
Genome position (GRCh38, 1-based): chrX:71,247,504, G>C on the plus strand (C>G on the coding strand, the complement: ZMYM3 is on the minus strand). VCF-style: chrX-71247504-G-C. GRCh37 (hg19) VCF-style: chrX-70467354-G-C.
Other names: c.2155C>G, p.Arg719Gly (NM_001171162.1, NM_005096.3); short protein forms R719G.
Identifiers: ClinVar variation 4536441 (VCV004536441.1).
Genomic context (GRCh38, chrX:71,247,504, plus strand): 5'-TCTGCCCACGCCAGTGGATGGTCTCCAGCAGCTTCCCCTGGCGCTTACACGCATGGCACC[G>C]GGCAGCCTGAGGATGTCAAAAGGATGGTCAGACCTGCCTCCCTAAAATGCGTTGGGCCCT-3'
Protein context (NP_963893.1, residues 709-729): KYLLWYCKAA[Arg719Gly]CHACKRQGKL